The following is an entry in ClinVar:

ClinVar aggregate classification (germline): Uncertain significance (0 of 4 stars; one submission).

Conditions:
KAT6A-related disorder. Also called: KAT6A-related condition.

Submission:

PreventionGenetics, part of Exact Sciences
Classification: Uncertain significance for KAT6A-related condition. Last evaluated: 2024-03-13. Review status: no assertion criteria provided. Collection method: clinical testing. Allele origin: germline.
Comment: The KAT6A c.3737G>A variant is predicted to result in the amino acid substitution p.Ser1246Asn. To our knowledge, this variant has not been reported in the literature or in a large population database, indicating this variant is rare. At this time, the clinical significance of this variant is uncertain due to the absence of conclusive functional and genetic evidence.

NM_006766.5(KAT6A):c.3737G>A (p.Ser1246Asn)

Gene: KAT6A (lysine acetyltransferase 6A; minus strand). Cytogenetic location: 8p11.21.
Variant type: single nucleotide variant.
Coding change: c.3737G>A on transcript NM_006766.5 (MANE Select); coding-DNA position 3737, G replaced by A.
Protein change: p.Ser1246Asn; replaces serine 1246 with asparagine.
Molecular consequence: missense variant.
Genome position (GRCh38, 1-based): chr8:41,934,483, C>T on the plus strand (G>A on the coding strand, the complement: KAT6A is on the minus strand). VCF-style: chr8-41934483-C-T. GRCh37 (hg19) VCF-style: chr8-41792001-C-T.
Other names: short protein forms S1246N.
Identifiers: ClinVar variation 3349274 (VCV003349274.1).
Genomic context (GRCh38, chr8:41,934,483, plus strand): 5'-TTGGTTTCGGTCTCAGGACTATTGCTGCTGTCTGCTGGAGAGGCTGCTGGGACTTCACTG[C>T]TGGCTGCATCCTCTTCCTCACCCTCTTCAGCCTCTTCTGCCTCTGCTTGCATCTCCTCCT-3'
Protein context (NP_006757.2, residues 1236-1256): AEEGEEEDAA[Ser1246Asn]SEVPAASPAD